The following is an entry in ClinVar:

ClinVar aggregate classification (germline): Uncertain significance (1 of 4 stars; one submission).

Conditions:
Autosomal recessive limb-girdle muscular dystrophy type 2J (LGMDR10). Also called: Limb-girdle muscular dystrophy, type 2J; MUSCULAR DYSTROPHY, LIMB-GIRDLE, AUTOSOMAL RECESSIVE 10. Identifiers: Orphanet 140922, MedGen C1837342, MONDO:0012127, OMIM 608807.
Dilated cardiomyopathy 1G (CMD1G). Identifiers: Orphanet 154, MedGen C1858763, MONDO:0011400, OMIM 604145.

Submission:

Labcorp Genetics (formerly Invitae), Labcorp
Classification: Uncertain significance for Dilated cardiomyopathy 1G; Autosomal recessive limb-girdle muscular dystrophy type 2J. Last evaluated: 2022-08-12. Review status: criteria provided, single submitter. Criteria: Invitae Variant Classification Sherloc (09022015). Collection method: clinical testing. Allele origin: germline.
Comment: This sequence change replaces histidine, which is basic and polar, with glutamine, which is neutral and polar, at codon 34152 of the TTN protein (p.His34152Gln). Experimental studies and prediction algorithms are not available or were not evaluated, and the functional significance of this variant is currently unknown. In summary, the available evidence is currently insufficient to determine the role of this variant in disease. Therefore, it has been classified as a Variant of Uncertain Significance. This variant is located in the M band of TTN (PMID: 25589632). Variants in this region may be relevant for neuromuscular disorders, but have not been definitively shown to cause cardiomyopathy (PMID: 23975875). This variant is not present in population databases (gnomAD no frequency). This variant has not been reported in the literature in individuals affected with TTN-related conditions.

Literature cited by the submitters: PubMed 25589632; PubMed 23975875.

NM_001267550.2(TTN):c.102456T>G (p.His34152Gln)

Genes: TTN (titin; minus strand), TTN-AS1 (TTN antisense RNA 1; plus strand). Cytogenetic location: 2q31.2.
Variant type: single nucleotide variant.
Coding change: c.102456T>G on transcript NM_001267550.2 (MANE Select); coding-DNA position 102456, T replaced by G.
Protein change: p.His34152Gln; replaces histidine 34152 with glutamine.
Molecular consequence: missense variant.
Genome position (GRCh38, 1-based): chr2:178,534,159, A>C on the plus strand (T>G on the coding strand, the complement: TTN is on the minus strand). VCF-style: chr2-178534159-A-C. GRCh37 (hg19) VCF-style: chr2-179398886-A-C.
Other names: c.97533T>G, p.His32511Gln (NM_001256850.1); c.75261T>G, p.His25087Gln (NM_003319.4); c.94752T>G, p.His31584Gln (NM_133378.4); c.75636T>G, p.His25212Gln (NM_133432.3); c.75837T>G, p.His25279Gln (NM_133437.4); short protein forms H31584Q, H32511Q, H25087Q, H34152Q, H25212Q, H25279Q.
Identifiers: ClinVar variation 2023378 (VCV002023378.4), dbSNP rs758384544, ClinGen allele CA349417502.